The following is an entry in ClinVar:

NM_022124.6(CDH23):c.5769G>A (p.Lys1923=)

Gene: CDH23 (cadherin related 23; plus strand). Cytogenetic location: 10q22.1.
Variant type: single nucleotide variant.
Coding change: c.5769G>A on transcript NM_022124.6 (MANE Select); coding-DNA position 5769, G replaced by A.
Protein change: p.Lys1923=; no amino-acid change (lysine 1923 retained).
Molecular consequence: synonymous variant.
Genome position (GRCh38, 1-based): chr10:71,785,687, G>A. VCF-style: chr10-71785687-G-A. GRCh37 (hg19) VCF-style: chr10-73545444-G-A.
Other names: c.5769G>A (NM_022124.5).
Identifiers: ClinVar variation 806505 (VCV000806505.52), dbSNP rs554353516, ClinGen allele CA5545870.

ClinVar aggregate classification (germline): Conflicting classifications of pathogenicity. Review status: criteria provided, conflicting classifications (1 of 4 stars). 4 submissions from 4 submitters: Uncertain significance (1); Likely benign (3). Last evaluated 2025-09-10.

Conditions:
CDH23-related disorder. Also called: CDH23-related condition; CDH23-related disorders.

Allele frequency attached by ClinVar (database versions not stated): 1000 Genomes Project 0.00040; 1000 Genomes Project 30x 0.00062; gnomAD exomes 0.00002 and 0.00003; ExAC 0.00003; gnomAD 0.00018 and 0.00019; TOPMed 0.00019.
gnomAD v4.1: 52 of 1,609,174 alleles (0.0032%); highest among the groups gnomAD compares: African/African-American, 0.057%; no homozygotes.

Submissions (4):

Labcorp Genetics (formerly Invitae), Labcorp
Classification: Likely benign. Last evaluated: 2025-09-10. Review status: criteria provided, single submitter. Criteria: Invitae Variant Classification Sherloc (09022015). Collection method: clinical testing. Allele origin: germline.

PreventionGenetics, part of Exact Sciences
Classification: Likely benign for CDH23-related condition. Last evaluated: 2024-12-10. Review status: criteria provided, single submitter. Criteria: ACMG Guidelines, 2015. Collection method: clinical testing. Allele origin: germline.
Comment: This variant is classified as likely benign based on ACMG/AMP sequence variant interpretation guidelines (Richards et al. 2015 PMID: 25741868, with internal and published modifications).

Blueprint Genetics
Classification: Likely benign. Last evaluated: 2022-11-18. Review status: criteria provided, single submitter. Criteria: ACMG Guidelines, 2015. Collection method: clinical testing. Allele origin: germline.

CeGaT Center for Human Genetics Tuebingen
Classification: Uncertain significance. Last evaluated: 2016-06-01. Review status: criteria provided, single submitter. Criteria: CeGaT Center For Human Genetics Tuebingen Variant Classification Criteria Version 2. Collection method: clinical testing. Allele origin: germline. Affected: yes. Observed: 1 variant allele.